The following is an entry in ClinVar:

NM_006420.3(ARFGEF2):c.3275G>A (p.Arg1092His)

Gene: ARFGEF2 (ARF guanine nucleotide exchange factor 2; plus strand). Cytogenetic location: 20q13.13.
Variant type: single nucleotide variant.
Coding change: c.3275G>A on transcript NM_006420.3 (MANE Select); coding-DNA position 3275, G replaced by A.
Protein change: p.Arg1092His; replaces arginine 1092 with histidine.
Molecular consequence: missense variant.
Genome position (GRCh38, 1-based): chr20:48,998,348, G>A. VCF-style: chr20-48998348-G-A. GRCh37 (hg19) VCF-style: chr20-47614885-G-A.
Other names: short protein forms R1092H.
Identifiers: ClinVar variation 210235 (VCV000210235.28), dbSNP rs151045115, ClinGen allele CA209462.

ClinVar aggregate classification (germline): Conflicting classifications of pathogenicity. Review status: criteria provided, conflicting classifications (1 of 4 stars). 6 submissions from 6 submitters: Uncertain significance (3); Benign (2); Likely benign (1). Last evaluated 2025-12-15.

Conditions:
Periventricular heterotopia with microcephaly, autosomal recessive (ARPHM). Also called: PERIVENTRICULAR NODULAR HETEROTOPIA 2; Periventricular heterotopia with microcephaly. Identifiers: Orphanet 2149, MedGen C1842563, MONDO:0011966, OMIM 608097.

Allele frequency attached by ClinVar (database versions not stated): 1000 Genomes Project 0.00020; 1000 Genomes Project 30x 0.00031; gnomAD 0.00050 and 0.00052; TOPMed 0.00054; ExAC 0.00091; ESP Exome Variant Server 0.00100; gnomAD exomes 0.00101.
gnomAD v4.1: 812 of 1,614,048 alleles (0.05%); highest among the groups gnomAD compares: Admixed American, 0.04%; 5 homozygotes.

Submissions (6):

Labcorp Genetics (formerly Invitae), Labcorp
Classification: Benign. Last evaluated: 2025-12-15. Review status: criteria provided, single submitter. Criteria: Invitae Variant Classification Sherloc (09022015). Collection method: clinical testing. Allele origin: germline.

Athena Diagnostics
Classification: Benign. Last evaluated: 2024-12-03. Review status: criteria provided, single submitter. Criteria: Athena Diagnostics Criteria. Collection method: clinical testing. Allele origin: unknown.
Comment: The frequency of this variant in the general population is higher than would generally be expected for pathogenic variants in this gene.

Mayo Clinic Laboratories, Mayo Clinic
Classification: Uncertain significance. Last evaluated: 2019-10-06. Review status: criteria provided, single submitter. Criteria: ACMG Guidelines, 2015. Collection method: clinical testing. Allele origin: germline. Observed: 1 variant allele.

GeneDx
Classification: Likely benign. Last evaluated: 2019-09-25. Review status: criteria provided, single submitter. Criteria: GeneDx Variant Classification Process June 2021. Collection method: clinical testing. Allele origin: germline. Affected: yes.

Illumina Laboratory Services, Illumina
Classification: Uncertain significance for Periventricular heterotopia with microcephaly, autosomal recessive. Last evaluated: 2018-01-13. Review status: criteria provided, single submitter. Criteria: ICSL Variant Classification Criteria 13 December 2019. Collection method: clinical testing. Allele origin: germline.

Genetic Services Laboratory, University of Chicago
Classification: Uncertain significance. Last evaluated: 2014-09-04. Review status: criteria provided, single submitter. Criteria: ACMG Guidelines, 2015. Collection method: clinical testing. Allele origin: germline.